The following is an entry in ClinVar:

ClinVar aggregate classification (germline): Uncertain significance. Review status: criteria provided, multiple submitters, no conflicts (2 of 4 stars). 2 submissions from 2 submitters: Uncertain significance (2). Last evaluated 2024-12-31.

Conditions:
Inborn genetic diseases. Identifiers: MedGen C0950123, MeSH D030342.
C1Q deficiency. Identifiers: MedGen C3150902, MONDO:0013343.

Allele frequency attached by ClinVar (database versions not stated): ExAC 0.00001; gnomAD 0.00002; gnomAD exomes 0.00002; TOPMed 0.00002.
gnomAD v4.1: 53 of 1,600,052 alleles (0.0033%); highest among the groups gnomAD compares: East Asian, 0.0089%; no homozygotes.

Submissions (2):

Ambry Genetics
Classification: Uncertain significance for Inborn genetic diseases. Last evaluated: 2024-12-31. Review status: criteria provided, single submitter. Criteria: Ambry Variant Classification Scheme 2023. Collection method: clinical testing. Allele origin: germline.

Center for Genomics, Ann and Robert H. Lurie Children's Hospital of Chicago
Classification: Uncertain significance for C1Q deficiency 1. Last evaluated: 2021-03-04. Review status: criteria provided, single submitter. Criteria: ACMG Guidelines, 2015. Collection method: clinical testing. Allele origin: germline.
Comment: C1QC NM_172369.4 exon 3 p.Val236Ile (c.706G>A): This variant has not been reported in the literature but is present in 0.002% (2/68038) of European alleles in the Genome Aggregation Database. This variant amino acid Isoleucine (Ile) is present in >15 species and is not well conserved among evolutionarily distant species; this suggests that this variant may not impact the protein. Additional computational prediction tools do not suggest an impact. In summary, data on this variant is insufficient for disease classification. Therefore, the clinical significance of this variant is uncertain.

NM_172369.5(C1QC):c.706G>A (p.Val236Ile)

Gene: C1QC (complement C1q C chain; plus strand). Cytogenetic location: 1p36.12.
Variant type: single nucleotide variant.
Coding change: c.706G>A on transcript NM_172369.5 (MANE Select); coding-DNA position 706, G replaced by A.
Protein change: p.Val236Ile; replaces valine 236 with isoleucine.
Molecular consequence: missense variant.
Genome position (GRCh38, 1-based): chr1:22,647,751, G>A. VCF-style: chr1-22647751-G-A. GRCh37 (hg19) VCF-style: chr1-22974244-G-A.
Other names: c.706G>A, p.Val236Ile (NM_001114101.3, NM_001347619.2); c.439G>A, p.Val147Ile (NM_001347620.2); c.706G>A (NM_172369.3); short protein forms V147I, V236I.
Identifiers: ClinVar variation 1675123 (VCV001675123.2), dbSNP rs774542072, ClinGen allele CA678041.
Genomic context (GRCh38, chr1:22,647,751, plus strand): 5'-GAGGTGTGGCTGGCTGTCAATGACTACTACGACATGGTGGGCATCCAGGGCTCTGACAGC[G>A]TCTTCTCCGGCTTCCTGCTCTTCCCCGACTAGGGCGGGCAGATGCGCTCGAGCCCCACGG-3'
Protein context (NP_758957.2, residues 226-245): DMVGIQGSDS[Val236Ile]FSGFLLFPD